The following is an entry in ClinVar:

ClinVar aggregate classification (germline): Uncertain significance. Review status: criteria provided, single submitter (1 of 4 stars). 2 submissions from 2 submitters: Uncertain significance (1). 1 of the submissions does not count toward it. Last evaluated 2022-07-21.

Conditions:
Prostate cancer, hereditary, 1 (HPC1). Identifiers: Orphanet 1331, MedGen C4722327, MONDO:0011098, OMIM 601518.

Submissions (2):

Labcorp Genetics (formerly Invitae), Labcorp
Classification: Uncertain significance. Last evaluated: 2022-07-21. Review status: criteria provided, single submitter. Criteria: Invitae Variant Classification Sherloc (09022015). Collection method: clinical testing. Allele origin: germline.
Comment: This sequence change replaces valine, which is neutral and non-polar, with glutamic acid, which is acidic and polar, at codon 166 of the HOXB13 protein (p.Val166Glu). This variant is not present in population databases (gnomAD no frequency). In summary, the available evidence is currently insufficient to determine the role of this variant in disease. Therefore, it has been classified as a Variant of Uncertain Significance. Algorithms developed to predict the effect of missense changes on protein structure and function (SIFT, PolyPhen-2, Align-GVGD) all suggest that this variant is likely to be tolerated. ClinVar contains an entry for this variant (Variation ID: 690805). This variant has not been reported in the literature in individuals affected with HOXB13-related conditions.

Laboratory of Virology, Microbiology,  Quality and Medical Biotechnologies, Faculty of Sciences and Techniques - Mohammedia, Hassan II University of Casablanca
Classification: Uncertain significance for Prostate cancer, hereditary, 1. Review status: no assertion criteria provided. Collection method: clinical testing. Allele origin: somatic. Affected: yes. Not counted in ClinVar's aggregate classification.

NM_006361.6(HOXB13):c.497T>A (p.Val166Glu)

Gene: HOXB13 (homeobox B13; minus strand). Cytogenetic location: 17q21.32.
Variant type: single nucleotide variant.
Coding change: c.497T>A on transcript NM_006361.6 (MANE Select); coding-DNA position 497, T replaced by A.
Protein change: p.Val166Glu; replaces valine 166 with glutamic acid.
Molecular consequence: missense variant.
Genome position (GRCh38, 1-based): chr17:48,728,097, A>T on the plus strand (T>A on the coding strand, the complement: HOXB13 is on the minus strand). VCF-style: chr17-48728097-A-T. GRCh37 (hg19) VCF-style: chr17-46805459-A-T.
Other names: short protein forms V166E.
Identifiers: ClinVar variation 690805 (VCV000690805.7), dbSNP rs1597934000, ClinGen allele CA400107332.
Genomic context (GRCh38, chr17:48,728,097, plus strand): 5'-CCCTGGCAACACATCTGGCTGTTCCAGCCACCAGCGAGAGCCCAAGACTGGTAACTGTCC[A>T]CAGGCAACAGGGAGTCATGTCGCGGTTCTCCAGGAGCACCCAGAGTCTGCACCACAGACA-3'
Protein context (NP_006352.2, residues 156-176): GEPRHDSLLP[Val166Glu]DSYQSWALAG